The following is an entry in ClinVar:

ClinVar aggregate classification (germline): Uncertain significance (1 of 4 stars; one submission).

Submission:

Women's Health and Genetics/Laboratory Corporation of America, LabCorp
Classification: Uncertain significance. Last evaluated: 2026-01-13. Review status: criteria provided, single submitter. Criteria: LabCorp Variant Classification Summary - May 2015. Collection method: clinical testing. Allele origin: germline.
Comment: Variant summary: AEBP1 c.340C>T (p.Pro114Ser) results in a non-conservative amino acid change in the encoded protein sequence. Algorithms developed to predict the effect of missense changes on protein structure and function are either unavailable or do not agree on the potential impact of this missense change. The variant allele was found at a frequency of 8.1e-06 in 246756 control chromosomes. The available data on variant occurrences in the general population are insufficient to allow any conclusion about variant significance. To our knowledge, no occurrence of c.340C>T in individuals affected with AEBP1-related conditions and no experimental evidence demonstrating its impact on protein function have been reported. No submitters have cited clinical-significance assessments for this variant to ClinVar. Based on the evidence outlined above, the variant was classified as uncertain significance.

NM_001129.5(AEBP1):c.340C>T (p.Pro114Ser)

Gene: AEBP1 (AE binding protein 1; plus strand). Cytogenetic location: 7p13.
Variant type: single nucleotide variant.
Coding change: c.340C>T on transcript NM_001129.5 (MANE Select); coding-DNA position 340, C replaced by T.
Protein change: p.Pro114Ser; replaces proline 114 with serine.
Molecular consequence: missense variant.
Genome position (GRCh38, 1-based): chr7:44,106,632, C>T. VCF-style: chr7-44106632-C-T. GRCh37 (hg19) VCF-style: chr7-44146231-C-T.
Other names: short protein forms P114S.
Identifiers: ClinVar variation 4689419 (VCV004689419.1).
Genomic context (GRCh38, chr7:44,106,632, plus strand): 5'-GGGAAGAAAGGCAAGAAAGACAAAGGCCCCAAGGTGCCCAAGGAGTCCTTGGAGGGGTCC[C>T]CCAGGCCGCCCAAGAAGGGGAAGGAGAAGCCACCCAAGGCCACCAAGAAGCCCAAGGAGA-3'
Protein context (NP_001120.3, residues 104-124): KVPKESLEGS[Pro114Ser]RPPKKGKEKP